The following is an entry in ClinVar:

ClinVar aggregate classification (germline): Uncertain significance (1 of 4 stars; one submission).

Conditions:
Familial hemiplegic migraine. Identifiers: MedGen C0338484, MONDO:0000700.

Allele frequency attached by ClinVar (database versions not stated): gnomAD below 0.00001 and 0.00001; gnomAD exomes below 0.00001.
gnomAD v4.1: 5 of 1,606,734 alleles (0.00031%); highest among the groups gnomAD compares: South Asian, 0.0011%; no homozygotes.

Submission:

Labcorp Genetics (formerly Invitae), Labcorp
Classification: Uncertain significance for Familial hemiplegic migraine. Last evaluated: 2025-03-25. Review status: criteria provided, single submitter. Criteria: Invitae Variant Classification Sherloc (09022015). Collection method: clinical testing. Allele origin: germline.
Comment: This sequence change replaces arginine, which is basic and polar, with glutamine, which is neutral and polar, at codon 171 of the ATP1A2 protein (p.Arg171Gln). This variant is not present in population databases (gnomAD no frequency). This variant has not been reported in the literature in individuals affected with ATP1A2-related conditions. ClinVar contains an entry for this variant (Variation ID: 460307). Invitae Evidence Modeling of protein sequence and biophysical properties (such as structural, functional, and spatial information, amino acid conservation, physicochemical variation, residue mobility, and thermodynamic stability) indicates that this missense variant is expected to disrupt ATP1A2 protein function with a positive predictive value of 80%. In summary, the available evidence is currently insufficient to determine the role of this variant in disease. Therefore, it has been classified as a Variant of Uncertain Significance.

NM_000702.4(ATP1A2):c.512G>A (p.Arg171Gln)

Genes: ATP1A2 (ATPase Na+/K+ transporting subunit alpha 2; plus strand), LOC126805890 (CDK7 strongly-dependent group 2 enhancer GRCh37_chr1:160093987-160095186; plus strand). Cytogenetic location: 1q23.2.
Variant type: single nucleotide variant.
Coding change: c.512G>A on transcript NM_000702.4 (MANE Select); coding-DNA position 512, G replaced by A.
Protein change: p.Arg171Gln; replaces arginine 171 with glutamine.
Molecular consequence: missense variant.
Genome position (GRCh38, 1-based): chr1:160,124,312, G>A. VCF-style: chr1-160124312-G-A. GRCh37 (hg19) VCF-style: chr1-160094102-G-A.
Other names: short protein forms R171Q.
Identifiers: ClinVar variation 460307 (VCV000460307.9), dbSNP rs1553244392, ClinGen allele CA343233304.